The following is an entry in ClinVar:

ClinVar aggregate classification (germline): Pathogenic (1 of 4 stars; one submission).

Submission:

Labcorp Genetics (formerly Invitae), Labcorp
Classification: Pathogenic. Last evaluated: 2024-08-28. Review status: criteria provided, single submitter. Criteria: Invitae Variant Classification Sherloc (09022015). Collection method: clinical testing. Allele origin: germline.
Comment: This sequence change creates a premature translational stop signal (p.Trp255*) in the POLG2 gene. It is expected to result in an absent or disrupted protein product. Loss-of-function variants in POLG2 are known to be pathogenic (PMID: 28078310, 29625556). This variant is not present in population databases (gnomAD no frequency). This variant has not been reported in the literature in individuals affected with POLG2-related conditions. For these reasons, this variant has been classified as Pathogenic.

Literature cited by the submitters: PubMed 28078310; PubMed 29625556.

NM_007215.4(POLG2):c.765G>A (p.Trp255Ter)

Genes: MILR1 (mast cell immunoglobulin like receptor 1; plus strand), POLG2 (DNA polymerase gamma 2, accessory subunit; minus strand). Cytogenetic location: 17q23.3.
Variant type: single nucleotide variant.
Coding change: c.765G>A on transcript NM_007215.4 (MANE Select); coding-DNA position 765, G replaced by A.
Protein change: p.Trp255Ter; replaces tryptophan 255 with a stop codon.
Molecular consequence: nonsense.
Genome position (GRCh38, 1-based): chr17:64,492,697, C>T on the plus strand (G>A on the coding strand, the complement: POLG2 is on the minus strand). VCF-style: chr17-64492697-C-T. GRCh37 (hg19) VCF-style: chr17-62488814-C-T.
Other names: short protein forms W255*.
Identifiers: ClinVar variation 3011244 (VCV003011244.3), dbSNP rs1253404236, ClinGen allele CA400638932.